The following is an entry in ClinVar:

NM_000091.5(COL4A3):c.825dup (p.Ser276fs)

Genes: COL4A3 (collagen type IV alpha 3 chain; plus strand), MFF-DT (MFF divergent transcript; minus strand). Cytogenetic location: 2q36.3.
Variant type: Duplication.
Coding change: c.825dup on transcript NM_000091.5 (MANE Select); coding-DNA position 825, one base duplicated (C; older notation c.825dupC).
Protein change: p.Ser276fs; shifts the reading frame from serine 276.
Molecular consequence: frameshift variant.
Genome position (GRCh38, 1-based): chr2:227,254,171, C duplicated; the last of 3 consecutive C bases (chr2:227,254,169-227,254,171); duplicating any one gives the same sequence. VCF-style (leftmost placement, unchanged base first): chr2-227254168-A-AC. GRCh37 (hg19) VCF-style: chr2-228118884-A-AC.
Other names: short protein forms S276fs.
Identifiers: ClinVar variation 2091933 (VCV002091933.4), dbSNP rs2469568933, ClinGen allele CA2580065962.
Genomic context (GRCh38, chr2:227,254,168, plus strand): 5'-GCAGGACCTCAAGGGGGAAAAGGGAGACAAGGGAGCAATGGGCGAGCCTGGACCTCCTGG[A>AC]CCCTCAGTAGGTTATTTAAAGTTATATTGTCCCCATAACACATAAAGTAGAGCCTTAGTA-3'

ClinVar aggregate classification (germline): Pathogenic (1 of 4 stars; one submission).

Submission:

Labcorp Genetics (formerly Invitae), Labcorp
Classification: Pathogenic. Last evaluated: 2022-02-12. Review status: criteria provided, single submitter. Criteria: Invitae Variant Classification Sherloc (09022015). Collection method: clinical testing. Allele origin: germline.
Comment: For these reasons, this variant has been classified as Pathogenic. This variant has not been reported in the literature in individuals affected with COL4A3-related conditions. This variant is not present in population databases (gnomAD no frequency). This sequence change creates a premature translational stop signal (p.Ser276Leufs*11) in the COL4A3 gene. It is expected to result in an absent or disrupted protein product. Loss-of-function variants in COL4A3 are known to be pathogenic (PMID: 8956999, 24854265, 26809805, 27281700).

Literature cited by the submitters: PubMed 8956999; PubMed 24854265; PubMed 26809805; PubMed 27281700.